The following is an entry in ClinVar:

ClinVar aggregate classification (germline): Uncertain significance (1 of 4 stars; one submission).

Submission:

Medical Genetic Center, Changzhi Maternal and Child Health Care Hospital
Classification: Uncertain significance. Last evaluated: 2025-12-10. Review status: criteria provided, single submitter. Criteria: ACMG/ClinGen CNV Guidelines, 2019. Collection method: clinical testing. Allele origin: unknown.
Comment: 1A, PRKAR1B partial deletion (NM_001164760.2, exon 5-10)

GRCh38/hg38 7p22.3(chr7:43376-668709)x3

Genes: FAM20C (FAM20C golgi associated secretory pathway kinase; plus strand), FOXL3 (forkhead box L3; plus strand), FOXL3-OT1 (FOXL3 overlapping transcript 1; plus strand), LINC03014 (long intergenic non-protein coding RNA 3014; plus strand), LINC03015 (long intergenic non-protein coding RNA 3015; minus strand) and 29 more. Cytogenetic location: 7p22.3.
Variant type: copy number gain.
Change: copy number 3 (three copies instead of two) of chr7:43,376-668,709 (625.3 kb, GRCh38 coordinates, 1-based), cytogenetic band 7p22.3.
Identifiers: ClinVar variation 4796441 (VCV004796441.1).